The following is an entry in ClinVar:

ClinVar aggregate classification (germline): Uncertain significance (1 of 4 stars; one submission).

Allele frequency attached by ClinVar (database versions not stated): gnomAD exomes below 0.00001; TOPMed below 0.00001; ExAC 0.00001; gnomAD 0.00001.

Submission:

Labcorp Genetics (formerly Invitae), Labcorp
Classification: Uncertain significance. Last evaluated: 2022-10-17. Review status: criteria provided, single submitter. Criteria: Invitae Variant Classification Sherloc (09022015). Collection method: clinical testing. Allele origin: germline.
Comment: Algorithms developed to predict the effect of missense changes on protein structure and function (SIFT, PolyPhen-2, Align-GVGD) all suggest that this variant is likely to be tolerated. In summary, the available evidence is currently insufficient to determine the role of this variant in disease. Therefore, it has been classified as a Variant of Uncertain Significance. This variant has not been reported in the literature in individuals affected with CACNA2D4-related conditions. This variant is present in population databases (rs761182034, gnomAD 0.0009%). This sequence change replaces arginine, which is basic and polar, with lysine, which is basic and polar, at codon 306 of the CACNA2D4 protein (p.Arg306Lys).

NM_172364.5(CACNA2D4):c.917G>A (p.Arg306Lys)

Gene: CACNA2D4 (calcium voltage-gated channel auxiliary subunit alpha2delta 4; minus strand). Cytogenetic location: 12p13.33.
Variant type: single nucleotide variant.
Coding change: c.917G>A on transcript NM_172364.5 (MANE Select); coding-DNA position 917, G replaced by A.
Protein change: p.Arg306Lys; replaces arginine 306 with lysine.
Molecular consequence: missense variant.
Genome position (GRCh38, 1-based): chr12:1,886,299, C>T on the plus strand (G>A on the coding strand, the complement: CACNA2D4 is on the minus strand). VCF-style: chr12-1886299-C-T. GRCh37 (hg19) VCF-style: chr12-1995465-C-T.
Other names: short protein forms R306K.
Identifiers: ClinVar variation 1993327 (VCV001993327.4), dbSNP rs761182034, ClinGen allele CA6387360.